The following is an entry in ClinVar:

NM_001135651.3(EIF2AK2):c.1357C>T (p.Arg453Ter)

Gene: EIF2AK2 (eukaryotic translation initiation factor 2 alpha kinase 2; minus strand). Cytogenetic location: 2p22.2.
Variant type: single nucleotide variant.
Coding change: c.1357C>T on transcript NM_001135651.3 (MANE Select); coding-DNA position 1357, C replaced by T.
Protein change: p.Arg453Ter; replaces arginine 453 with a stop codon.
Molecular consequence: nonsense.
Genome position (GRCh38, 1-based): chr2:37,114,751, G>A on the plus strand (C>T on the coding strand, the complement: EIF2AK2 is on the minus strand). VCF-style: chr2-37114751-G-A. GRCh37 (hg19) VCF-style: chr2-37341894-G-A.
Other names: c.1234C>T, p.Arg412Ter (NM_001135652.3); c.1357C>T, p.Arg453Ter (NM_002759.4); short protein forms R453*, R412*.
Identifiers: ClinVar variation 4781429 (VCV004781429.1).

ClinVar aggregate classification (germline): Uncertain significance (1 of 4 stars; one submission).

gnomAD v4.1: 12 of 1,590,594 alleles (0.00075%); highest among the groups gnomAD compares: Admixed American, 0.0089%; no homozygotes.

Submission:

Labcorp Genetics (formerly Invitae), Labcorp
Classification: Uncertain significance. Last evaluated: 2025-05-13. Review status: criteria provided, single submitter. Criteria: Invitae Variant Classification Sherloc (09022015). Collection method: clinical testing. Allele origin: germline.
Comment: This sequence change creates a premature translational stop signal (p.Arg453*) in the EIF2AK2 gene. It is expected to result in an absent or disrupted protein product. However, the current clinical and genetic evidence is not sufficient to establish whether loss-of-function variants in EIF2AK2 cause disease. The frequency data for this variant in the population databases is considered unreliable, as metrics indicate poor data quality at this position in the gnomAD database. This variant has not been reported in the literature in individuals affected with EIF2AK2-related conditions. Experimental studies and prediction algorithms are not available or were not evaluated, and the functional significance of this variant is currently unknown. In summary, the available evidence is currently insufficient to determine the role of this variant in disease. Therefore, it has been classified as a Variant of Uncertain Significance.